The following is an entry in ClinVar:

ClinVar aggregate classification (germline): Conflicting classifications of pathogenicity. Review status: criteria provided, conflicting classifications (1 of 4 stars). 4 submissions from 4 submitters: Uncertain significance (1); Likely benign (3). Last evaluated 2025-11-01.

Conditions:
Hereditary cancer-predisposing syndrome. Also called: Tumor predisposition; Neoplastic Syndromes, Hereditary; Hereditary Cancer Syndrome; Hereditary neoplastic syndrome. Identifiers: Orphanet 140162, MedGen C0027672, MeSH D009386, MONDO:0015356.
Familial cancer of breast. Also called: Hereditary breast cancer; BREAST CANCER, FAMILIAL; hereditary breast carcinoma. Identifiers: Orphanet 227535, MedGen C0346153, MONDO:0016419, OMIM 114480. Disease mechanism: loss of function.
Ataxia-telangiectasia syndrome (AT). Also called: Ataxia-telangiectasia; Cerebello-oculocutaneous telangiectasia; Immunodeficiency with ataxia telangiectasia; ATAXIA-TELANGIECTASIA, COMPLEMENTATION GROUP A; ATAXIA-TELANGIECTASIA, FRESNO VARIANT; Ataxia-telangiectasia, complementation group D. Identifiers: Orphanet 100, MedGen C0004135, MONDO:0008840, OMIM 208900.

Submissions (4):

Labcorp Genetics (formerly Invitae), Labcorp
Classification: Likely benign for Ataxia-telangiectasia syndrome. Last evaluated: 2025-11-01. Review status: criteria provided, single submitter. Criteria: Invitae Variant Classification Sherloc (09022015). Collection method: clinical testing. Allele origin: germline.

Women's Health and Genetics/Laboratory Corporation of America, LabCorp
Classification: Likely benign. Last evaluated: 2025-04-15. Review status: criteria provided, single submitter. Criteria: LabCorp Variant Classification Summary - May 2015. Collection method: clinical testing. Allele origin: germline.
Comment: Variant summary: ATM c.2466+8T>A alters a nucleotide located at a position not widely known to affect splicing. Consensus agreement among computation tools predict no significant impact on normal splicing. However, these predictions have yet to be confirmed by functional studies. The variant allele was found at a frequency of 4e-06 in 249712 control chromosomes. The available data on variant occurrences in the general population are insufficient to allow any conclusion about variant significance. To our knowledge, no occurrence of c.2466+8T>A in individuals affected with Ataxia-Telangiectasia and no experimental evidence demonstrating its impact on protein function have been reported. ClinVar contains an entry for this variant (Variation ID: 414589). Based on the evidence outlined above, the variant was classified as likely benign.

Myriad Genetics, Inc.
Classification: Likely benign for Familial cancer of breast. Last evaluated: 2024-05-09. Review status: criteria provided, single submitter. Criteria: Myriad Autosomal Dominant, Autosomal Recessive and X-Linked Classification Criteria (2023). Collection method: clinical testing. Allele origin: unknown.
Comment: This variant is considered likely benign. This variant is intronic and is not expected to impact mRNA splicing.

Color Diagnostics, LLC DBA Color Health
Classification: Uncertain significance for Hereditary cancer-predisposing syndrome. Last evaluated: 2023-10-30. Review status: criteria provided, single submitter. Criteria: ACMG Guidelines, 2015. Collection method: clinical testing. Allele origin: germline.
Comment: This variant causes a T to A nucleotide substitution at the +8 position of intron 16 of the ATM gene. To our knowledge, RNA studies have not been reported for this variant. This variant has not been reported in individuals affected with ATM-related disorders in the literature. This variant has been identified in 1/249712 chromosomes in the general population by the Genome Aggregation Database (gnomAD). The available evidence is insufficient to determine the role of this variant in disease conclusively. Therefore, this variant is classified as a Variant of Uncertain Significance.

NM_000051.4(ATM):c.2466+8T>A

Gene: ATM (ATM serine/threonine kinase; plus strand). Cytogenetic location: 11q22.3.
Variant type: single nucleotide variant.
Coding change: c.2466+8T>A on transcript NM_000051.4 (MANE Select); 8 bases into the intron after coding-DNA position 2466, T replaced by A.
Molecular consequence: intron variant.
Genome position (GRCh38, 1-based): chr11:108,259,083, T>A. VCF-style: chr11-108259083-T-A. GRCh37 (hg19) VCF-style: chr11-108129810-T-A.
Other names: c.2466+8T>A (NM_001351834.2).
Identifiers: ClinVar variation 414589 (VCV000414589.19), dbSNP rs765619483, ClinGen allele CA6265028.